The following is an entry in ClinVar:

ClinVar aggregate classification (germline): Uncertain significance (1 of 4 stars; one submission).

Submission:

GeneDx
Classification: Uncertain significance. Last evaluated: 2016-12-16. Review status: criteria provided, single submitter. Criteria: GeneDx Variant Classification (06012015). Collection method: clinical testing. Allele origin: germline. Affected: yes.
Comment: The A369V variant in the DVL1 gene has not been reported previously as a pathogenic variant, nor as a benign variant, to our knowledge. The A369V variant was not observed in approximately 5700 individuals of European and African American ancestry in the NHLBI Exome Sequencing Project, indicating it is not a common benign variant in these populations. The A369V variant is a conservative amino acid substitution, which is not likely to impact secondary protein structure as these residues share similar properties. This substitution occurs at a position that is conserved across species. In silico analysis predicts this variant is probably damaging to the protein structure/function. Therefore, we interpret A369V as a variant of uncertain significance.

NM_001330311.2(DVL1):c.1106C>T (p.Ala369Val)

Gene: DVL1 (dishevelled segment polarity protein 1; minus strand). Cytogenetic location: 1p36.33.
Variant type: single nucleotide variant.
Coding change: c.1106C>T on transcript NM_001330311.2 (MANE Select); coding-DNA position 1106, C replaced by T.
Protein change: p.Ala369Val; replaces alanine 369 with valine.
Molecular consequence: missense variant.
Genome position (GRCh38, 1-based): chr1:1,339,388, G>A on the plus strand (C>T on the coding strand, the complement: DVL1 is on the minus strand). VCF-style: chr1-1339388-G-A. GRCh37 (hg19) VCF-style: chr1-1274768-G-A.
Other names: c.1106C>T, p.Ala369Val (NM_004421.3); short protein forms A369V.
Identifiers: ClinVar variation 391268 (VCV000391268.2), dbSNP rs1057524022, ClinGen allele CA16603429.